The following is an entry in ClinVar:

ClinVar aggregate classification (germline): Benign/Likely benign. Review status: criteria provided, multiple submitters, no conflicts (2 of 4 stars). 5 submissions from 5 submitters: Benign (1); Likely benign (4). Last evaluated 2026-05-01.

Allele frequency attached by ClinVar (database versions not stated): gnomAD exomes 0.00026 and 0.00080; ExAC 0.00095; 1000 Genomes Project 30x 0.00234; 1000 Genomes Project 0.00260; gnomAD 0.00303 and 0.00330; TOPMed 0.00326; ESP Exome Variant Server 0.00400.
gnomAD v4.1: 857 of 1,614,210 alleles (0.053%); highest among the groups gnomAD compares: African/African-American, 1%; 5 homozygotes.

Submissions (5):

CeGaT Center for Human Genetics Tuebingen
Classification: Likely benign. Last evaluated: 2026-05-01. Review status: criteria provided, single submitter. Criteria: CeGaT Center For Human Genetics Tuebingen Variant Classification Criteria Version 2. Collection method: clinical testing. Allele origin: germline. Affected: yes. Observed: 1 variant allele.
Comment: KATNIP: BP4, BS1

Mayo Clinic Laboratories, Mayo Clinic
Classification: Likely benign. Last evaluated: 2025-09-24. Review status: criteria provided, single submitter. Criteria: ACMG Guidelines, 2015. Collection method: clinical testing. Allele origin: germline. Observed: 1 variant allele.
Comment: BS1, BP4

Labcorp Genetics (formerly Invitae), Labcorp
Classification: Benign. Last evaluated: 2025-08-31. Review status: criteria provided, single submitter. Criteria: Invitae Variant Classification Sherloc (09022015). Collection method: clinical testing. Allele origin: germline.

Blueprint Genetics
Classification: Likely benign. Last evaluated: 2024-09-04. Review status: criteria provided, single submitter. Criteria: ACMG Guidelines, 2015. Collection method: clinical testing. Allele origin: germline.

Ambry Genetics
Classification: Likely benign. Last evaluated: 2022-08-22. Review status: criteria provided, single submitter. Criteria: Ambry Variant Classification Scheme 2023. Collection method: clinical testing. Allele origin: germline.

NM_015202.5(KATNIP):c.2366C>T (p.Pro789Leu)

Gene: KATNIP (katanin interacting protein; plus strand). Cytogenetic location: 16p12.1.
Variant type: single nucleotide variant.
Coding change: c.2366C>T on transcript NM_015202.5 (MANE Select); coding-DNA position 2366, C replaced by T.
Protein change: p.Pro789Leu; replaces proline 789 with leucine.
Molecular consequence: missense variant.
Genome position (GRCh38, 1-based): chr16:27,740,663, C>T. VCF-style: chr16-27740663-C-T. GRCh37 (hg19) VCF-style: chr16-27751984-C-T.
Other names: p.Pro789Leu; c.2366C>T (NM_015202.4); short protein forms P789L.
Identifiers: ClinVar variation 714695 (VCV000714695.14), dbSNP rs116668900, ClinGen allele CA7977946.